The following is an entry in ClinVar:

ClinVar aggregate classification (germline): Likely benign. Review status: criteria provided, multiple submitters, no conflicts (2 of 4 stars). 4 submissions from 3 submitters: Likely benign (4). Last evaluated 2023-09-21.

Conditions:
Retinitis pigmentosa 39 (RP39). Identifiers: Orphanet 791, MedGen C3151138, MONDO:0013436, OMIM 613809.
Usher syndrome type 2A. Also called: RETINAL DISEASE IN USHER SYNDROME TYPE IIA, MODIFIER OF; USHER SYNDROME, TYPE IIA. Identifiers: Orphanet 231178, Orphanet 886, MedGen C1848634, MONDO:0010169, OMIM 276901.

Allele frequency attached by ClinVar (database versions not stated): ExAC 0.00001; gnomAD exomes 0.00001; TOPMed 0.00002.
gnomAD v4.1: 34 of 1,613,732 alleles (0.0021%); highest among the groups gnomAD compares: Non-Finnish European, 0.0026%; no homozygotes.

Submissions (4):

Labcorp Genetics (formerly Invitae), Labcorp
Classification: Likely benign. Last evaluated: 2023-09-21. Review status: criteria provided, single submitter. Criteria: Invitae Variant Classification Sherloc (09022015). Collection method: clinical testing. Allele origin: germline.

Genome-Nilou Lab
Classification: Likely benign for Retinitis pigmentosa 39. Last evaluated: 2023-04-11. Review status: criteria provided, single submitter. Criteria: ACMG Guidelines, 2015. Collection method: clinical testing. Allele origin: germline. Affected: no.

Genome-Nilou Lab
Classification: Likely benign for Usher syndrome type 2A. Last evaluated: 2023-04-11. Review status: criteria provided, single submitter. Criteria: ACMG Guidelines, 2015. Collection method: clinical testing. Allele origin: germline. Affected: no.

Laboratory for Molecular Medicine, Mass General Brigham Personalized Medicine
Classification: Likely benign. Last evaluated: 2013-02-01. Review status: criteria provided, single submitter. Criteria: LMM Criteria. Collection method: clinical testing. Allele origin: germline. Observed: 1 variant allele.
Comment: 5776+7 T>G in Intron 28 of USH2A: This variant is not expected to have clinical significance because it is not located within the conserved region of the splice consensus sequence.

NM_206933.4(USH2A):c.5776+7T>G

Genes: USH2A (usherin; minus strand), USH2A-AS2 (USH2A antisense RNA 2; plus strand). Cytogenetic location: 1q41.
Variant type: single nucleotide variant.
Coding change: c.5776+7T>G on transcript NM_206933.4 (MANE Select); 7 bases into the intron after coding-DNA position 5776, T replaced by G.
Molecular consequence: intron variant.
Genome position (GRCh38, 1-based): chr1:216,073,090, A>C on the plus strand (T>G on the coding strand, the complement: USH2A is on the minus strand). VCF-style: chr1-216073090-A-C. GRCh37 (hg19) VCF-style: chr1-216246432-A-C.
Identifiers: ClinVar variation 48541 (VCV000048541.16), dbSNP rs397518020, ClinGen allele CA143531.